The following is an entry in ClinVar:

NM_000548.5(TSC2):c.4995G>T (p.Gln1665His)

Gene: TSC2 (TSC complex subunit 2; plus strand). Cytogenetic location: 16p13.3.
Variant type: single nucleotide variant.
Coding change: c.4995G>T on transcript NM_000548.5 (MANE Select); coding-DNA position 4995, G replaced by T.
Protein change: p.Gln1665His; replaces glutamine 1665 with histidine.
Molecular consequence: missense variant.
Genome position (GRCh38, 1-based): chr16:2,087,868, G>T. VCF-style: chr16-2087868-G-T. GRCh37 (hg19) VCF-style: chr16-2137869-G-T.
Other names: c.4866G>T, p.Gln1622His (NM_001370405.1, NM_021055.3); c.4992G>T, p.Gln1664His (NM_001406663.1); c.4923G>T, p.Gln1641His (NM_001406664.1); c.4917G>T, p.Gln1639His (NM_001406665.1); c.4887G>T, p.Gln1629His (NM_001406667.1); c.4884G>T, p.Gln1628His (NM_001406668.1); c.4815G>T, p.Gln1605His (NM_001406670.1); c.4785G>T, p.Gln1595His (NM_001406671.1); and 26 more; short protein forms Q1064H, Q1150H, Q1151H, Q1173H, Q1174H, Q1194H, Q1398H, Q1399H.
Identifiers: ClinVar variation 1721927 (VCV001721927.5), dbSNP rs2091045745, ClinGen allele CA394310956.

ClinVar aggregate classification (germline): Uncertain significance (1 of 4 stars; one submission).

Conditions:
Tuberous sclerosis 2 (TSC2). Identifiers: Orphanet 805, MedGen C1860707, MONDO:0013199, OMIM 613254.

Allele frequency attached by ClinVar (database versions not stated): gnomAD 0.00001.
gnomAD v4.1: 1 of 1,612,706 alleles (0.000062%); highest among the groups gnomAD compares: Non-Finnish European, 0.000085%; no homozygotes.

Submission:

Labcorp Genetics (formerly Invitae), Labcorp
Classification: Uncertain significance for Tuberous sclerosis 2. Last evaluated: 2022-10-20. Review status: criteria provided, single submitter. Criteria: Invitae Variant Classification Sherloc (09022015). Collection method: clinical testing. Allele origin: germline.
Comment: This sequence change replaces glutamine, which is neutral and polar, with histidine, which is basic and polar, at codon 1665 of the TSC2 protein (p.Gln1665His). This variant is not present in population databases (gnomAD no frequency). In summary, the available evidence is currently insufficient to determine the role of this variant in disease. Therefore, it has been classified as a Variant of Uncertain Significance. Advanced modeling of protein sequence and biophysical properties (such as structural, functional, and spatial information, amino acid conservation, physicochemical variation, residue mobility, and thermodynamic stability) performed at Invitae indicates that this missense variant is not expected to disrupt TSC2 protein function. This variant has not been reported in the literature in individuals affected with TSC2-related conditions.